The following is an entry in ClinVar:

NM_001204375.2(NPR3):c.1358G>A (p.Gly453Asp)

Gene: NPR3 (natriuretic peptide receptor 3; plus strand). Cytogenetic location: 5p13.3.
Variant type: single nucleotide variant.
Coding change: c.1358G>A on transcript NM_001204375.2 (MANE Select); coding-DNA position 1358, G replaced by A.
Protein change: p.Gly453Asp; replaces glycine 453 with aspartic acid.
Molecular consequence: missense variant.
Genome position (GRCh38, 1-based): chr5:32,782,960, G>A. VCF-style: chr5-32782960-G-A. GRCh37 (hg19) VCF-style: chr5-32783066-G-A.
Other names: c.1358G>A, p.Gly453Asp (NM_000908.4); c.710G>A, p.Gly237Asp (NM_001204376.2, NM_001363652.2); c.638G>A, p.Gly213Asp (NM_001364458.2); c.587G>A, p.Gly196Asp (NM_001364460.2); c.1358G>A (NM_001204375.1); short protein forms G237D, G196D, G453D, G213D.
Identifiers: ClinVar variation 1375566 (VCV001375566.9), dbSNP rs371624453, ClinGen allele CA116857260.

ClinVar aggregate classification (germline): Uncertain significance. Review status: criteria provided, multiple submitters, no conflicts (2 of 4 stars). 2 submissions from 2 submitters: Uncertain significance (2). Last evaluated 2023-03-20.

Conditions:
Inborn genetic diseases. Identifiers: MedGen C0950123, MeSH D030342.

Allele frequency attached by ClinVar (database versions not stated): ESP Exome Variant Server 0.00008.
gnomAD v4.1: 1 of 1,610,192 alleles (0.000062%); highest among the groups gnomAD compares: Non-Finnish European, 0.000085%; no homozygotes.

Submissions (2):

Ambry Genetics
Classification: Uncertain significance for Inborn genetic diseases. Last evaluated: 2023-03-20. Review status: criteria provided, single submitter. Criteria: Ambry Variant Classification Scheme 2023. Collection method: clinical testing. Allele origin: germline.

Labcorp Genetics (formerly Invitae), Labcorp
Classification: Uncertain significance. Last evaluated: 2021-03-10. Review status: criteria provided, single submitter. Criteria: Invitae Variant Classification Sherloc (09022015). Collection method: clinical testing. Allele origin: germline.
Comment: This sequence change replaces glycine with aspartic acid at codon 453 of the NPR3 protein (p.Gly453Asp). The glycine residue is highly conserved and there is a moderate physicochemical difference between glycine and aspartic acid. This variant is not present in population databases (ExAC no frequency). This variant has not been reported in the literature in individuals with NPR3-related conditions. Algorithms developed to predict the effect of missense changes on protein structure and function are either unavailable or do not agree on the potential impact of this missense change (SIFT: "Tolerated"; PolyPhen-2: "Possibly Damaging"; Align-GVGD: "Class C0"). In summary, the available evidence is currently insufficient to determine the role of this variant in disease. Therefore, it has been classified as a Variant of Uncertain Significance.